The following is an entry in ClinVar:

NM_000051.4(ATM):c.5059G>A (p.Ala1687Thr)

Gene: ATM (ATM serine/threonine kinase; plus strand). Cytogenetic location: 11q22.3.
Variant type: single nucleotide variant.
Coding change: c.5059G>A on transcript NM_000051.4 (MANE Select); coding-DNA position 5059, G replaced by A.
Protein change: p.Ala1687Thr; replaces alanine 1687 with threonine.
Molecular consequence: missense variant.
Genome position (GRCh38, 1-based): chr11:108,299,767, G>A. VCF-style: chr11-108299767-G-A. GRCh37 (hg19) VCF-style: chr11-108170494-G-A.
Other names: c.5059G>A, p.Ala1687Thr (NM_001351834.2); short protein forms A1687T.
Identifiers: ClinVar variation 864268 (VCV000864268.7), dbSNP rs1555104597, ClinGen allele CA382540494.

ClinVar aggregate classification (germline): Uncertain significance (1 of 4 stars; one submission).

Conditions:
Ataxia-telangiectasia syndrome (AT). Also called: LOUIS-BAR SYNDROME; Ataxia telangiectasia (A-T); Ataxia-telangiectasia, complementation group D; Cerebello-oculocutaneous telangiectasia; Immunodeficiency with ataxia telangiectasia; Ataxia-telangiectasia. Identifiers: Orphanet 100, MedGen C0004135, MONDO:0008840, OMIM 208900.

gnomAD v4.1: 2 of 1,613,920 alleles (0.00012%); highest among the groups gnomAD compares: Non-Finnish European, 0.00017%; no homozygotes.

Submission:

Labcorp Genetics (formerly Invitae), Labcorp
Classification: Uncertain significance for Ataxia-telangiectasia syndrome. Last evaluated: 2021-08-28. Review status: criteria provided, single submitter. Criteria: Invitae Variant Classification Sherloc (09022015). Collection method: clinical testing. Allele origin: germline.
Comment: This sequence change replaces alanine with threonine at codon 1687 of the ATM protein (p.Ala1687Thr). The alanine residue is highly conserved and there is a small physicochemical difference between alanine and threonine. This variant is not present in population databases (ExAC no frequency). This variant has not been reported in the literature in individuals affected with ATM-related conditions. Algorithms developed to predict the effect of missense changes on protein structure and function are either unavailable or do not agree on the potential impact of this missense change (SIFT: "Deleterious"; PolyPhen-2: "Benign"; Align-GVGD: "Class C55"). In summary, the available evidence is currently insufficient to determine the role of this variant in disease. Therefore, it has been classified as a Variant of Uncertain Significance.